The following is an entry in ClinVar:

NM_001041.4(SI):c.4540+4A>G

Gene: SI (sucrase-isomaltase; minus strand). Cytogenetic location: 3q26.1.
Variant type: single nucleotide variant.
Coding change: c.4540+4A>G on transcript NM_001041.4 (MANE Select); 4 bases into the intron after coding-DNA position 4540, A replaced by G.
Molecular consequence: intron variant.
Genome position (GRCh38, 1-based): chr3:164,998,536, T>C on the plus strand (A>G on the coding strand, the complement: SI is on the minus strand). VCF-style: chr3-164998536-T-C. GRCh37 (hg19) VCF-style: chr3-164716324-T-C.
Identifiers: ClinVar variation 900558 (VCV000900558.13), dbSNP rs201654919, ClinGen allele CA2689893.

ClinVar aggregate classification (germline): Conflicting classifications of pathogenicity. Review status: criteria provided, conflicting classifications (1 of 4 stars). 4 submissions from 4 submitters: Uncertain significance (2); Likely benign (2). Last evaluated 2026-09-23.

Conditions:
SI-related disorder. Also called: SI-related condition.
Sucrase-isomaltase deficiency (CSID). Also called: SI DEFICIENCY; Congenital sucrose isomaltose malabsorption; Sucrose isomaltose enzyme deficiency; Deficiency of isomaltase. Identifiers: Orphanet 35122, MedGen C1283620, MONDO:0009114, OMIM 222900.

Allele frequency attached by ClinVar (database versions not stated): ESP Exome Variant Server 0.00008; gnomAD exomes 0.00010 and 0.00024; gnomAD 0.00011 and 0.00013; TOPMed 0.00014; ExAC 0.00021.
gnomAD v4.1: 182 of 1,611,708 alleles (0.011%); highest among the groups gnomAD compares: Admixed American, 0.0017%; no homozygotes.

Submissions (4):

PreventionGenetics, part of Exact Sciences
Classification: Likely benign for SI-related condition. Last evaluated: 2026-09-23. Review status: criteria provided, single submitter. Criteria: ACMG Guidelines, 2015. Collection method: clinical testing. Allele origin: germline.
Comment: This variant is classified as likely benign based on ACMG/AMP sequence variant interpretation guidelines (Richards et al. 2015 PMID: 25741868, with internal and published modifications).

Labcorp Genetics (formerly Invitae), Labcorp
Classification: Likely benign. Last evaluated: 2026-02-01. Review status: criteria provided, single submitter. Criteria: Invitae Variant Classification Sherloc (09022015). Collection method: clinical testing. Allele origin: germline.

Fulgent Genetics
Classification: Uncertain significance for Sucrase-isomaltase deficiency. Last evaluated: 2024-03-22. Review status: criteria provided, single submitter. Criteria: ACMG Guidelines, 2015. Collection method: clinical testing. Allele origin: germline.

Illumina Laboratory Services, Illumina
Classification: Uncertain significance for Sucrase-isomaltase deficiency. Last evaluated: 2018-01-13. Review status: criteria provided, single submitter. Criteria: ICSL Variant Classification Criteria 13 December 2019. Collection method: clinical testing. Allele origin: germline.